The following is an entry in ClinVar:

NM_177438.3(DICER1):c.4206+3_4206+5del

Gene: DICER1 (dicer 1, ribonuclease III; minus strand). Cytogenetic location: 14q32.13.
Variant type: Deletion.
Coding change: c.4206+3_4206+5del on transcript NM_177438.3 (MANE Select); bases 3 to 5 of the intron after coding-DNA position 4206, 3 bases deleted (AAG; older notation c.4206+3_4206+5delAAG).
Molecular consequence: intron variant.
Genome position (GRCh38, 1-based): chr14:95,099,775-95,099,777, CTT deleted on the plus strand (AAG on the coding strand, the reverse complement: DICER1 is on the minus strand). VCF-style (leftmost placement, unchanged base first): chr14-95099774-ACTT-A. GRCh37 (hg19) VCF-style: chr14-95566111-ACTT-A.
Other names: c.4206+3_4206+5del (NM_001291628.2, NM_030621.4, NM_001395677.1 and 12 more transcripts); c.3801+3_3801+5del (NM_001395690.1, NM_001395687.1, NM_001395689.1 and 2 more transcripts); c.3924+3_3924+5del (NM_001395686.1); c.3639+3_3639+5del (NM_001395691.1); c.2523+3_2523+5del (NM_001395697.1).
Identifiers: ClinVar variation 2566161 (VCV002566161.3), dbSNP rs2542597073, ClinGen allele CA2580612815.

ClinVar aggregate classification (germline): Conflicting classifications of pathogenicity. Review status: criteria provided, conflicting classifications (1 of 4 stars). 3 submissions from 3 submitters: Likely pathogenic (1); Uncertain significance (2). Last evaluated 2025-05-27.

Conditions:
DICER1-related tumor predisposition. Also called: DICER1 syndrome; DICER1-related pleuropulmonary blastoma cancer predisposition syndrome. Identifiers: Orphanet 284343, MedGen C3839822, MONDO:0100216.
Hereditary cancer-predisposing syndrome. Also called: Neoplastic Syndromes, Hereditary; Hereditary Cancer Syndrome; Tumor predisposition; Hereditary neoplastic syndrome. Identifiers: Orphanet 140162, MedGen C0027672, MeSH D009386, MONDO:0015356.

Submissions (3):

Labcorp Genetics (formerly Invitae), Labcorp
Classification: Likely pathogenic for DICER1-related tumor predisposition. Last evaluated: 2025-05-27. Review status: criteria provided, single submitter. Criteria: Invitae Variant Classification Sherloc (09022015). Collection method: clinical testing. Allele origin: germline.
Comment: This sequence change falls in intron 22 of the DICER1 gene. It does not directly change the encoded amino acid sequence of the DICER1 protein. RNA analysis indicates that this variant induces altered splicing and likely results in a shortened protein product. This variant is not present in population databases (gnomAD no frequency). This variant has been observed in individual(s) with DICER1-related conditions (internal data). ClinVar contains an entry for this variant (Variation ID: 2566161). Variants that disrupt the consensus splice site are a relatively common cause of aberrant splicing (PMID: 17576681, 9536098). Studies have shown that this variant results in skipping of exon 22, but is expected to preserve the integrity of the reading-frame (internal data). In summary, the currently available evidence indicates that the variant is pathogenic, but additional data are needed to prove that conclusively. Therefore, this variant has been classified as Likely Pathogenic.

Institute for Genomic Medicine (IGM) Clinical Laboratory, Nationwide Children's Hospital
Classification: Uncertain significance for DICER1-related tumor predisposition. Last evaluated: 2025-04-24. Review status: criteria provided, single submitter. Criteria: ACMG Guidelines, 2015. Collection method: clinical testing. Allele origin: germline.
Comment: This variant is absent from or present at an exceedingly low frequency in gnomAD, a large-scale control population database (ACMG/AMP: PM2). This variant is predicted to alter protein function or structure, or disrupt splicing by multiple in silico tools (ACMG/AMP: PP3).

Ambry Genetics
Classification: Uncertain significance for Hereditary cancer-predisposing syndrome. Last evaluated: 2023-04-03. Review status: criteria provided, single submitter. Criteria: Ambry Variant Classification Scheme 2023. Collection method: clinical testing. Allele origin: germline.
Comment: The c.4206+3_4206+5delAAG intronic variant is located in intron 21 of the DICER1 gene. This variant results from a deletion of 3 nucleotides at positions c.4206+3 to c.4206+5. This nucleotide region is well conserved in available vertebrate species. In silico splice site analysis predicts that this alteration will weaken the native splice donor site. RNA studies have demonstrated that this alteration results in a transcript predicted to lead to a protein with an in-frame deletion of 52 amino acids; however, the exact functional impact of the deleted amino acids is unknown at this time (Ambry internal data). Since supporting evidence is limited at this time, the clinical significance of this alteration remains unclear.

Literature cited by the submitters: PubMed 17576681 (cited by Labcorp Genetics (formerly Invitae), Labcorp); PubMed 9536098 (cited by Labcorp Genetics (formerly Invitae), Labcorp).